The following is an entry in ClinVar:

ClinVar aggregate classification (germline): Pathogenic (1 of 4 stars; one submission).

Conditions:
Infantile-onset ascending hereditary spastic paralysis (IAHSP). Also called: Infantile-Onset Ascending Hereditary Spastic Paralysis (IAHSP); Autosomal Recessive Juvenile Amyotrophic Lateral Sclerosis. Identifiers: Orphanet 293168, MedGen C2931441, MONDO:0011797, OMIM 607225. Disease mechanism: loss of function.

gnomAD v4.1: 14 of 1,613,910 alleles (0.00087%); highest among the groups gnomAD compares: African/African-American, 0.0027%; no homozygotes.

Submission:

Labcorp Genetics (formerly Invitae), Labcorp
Classification: Pathogenic for Infantile-onset ascending hereditary spastic paralysis. Last evaluated: 2024-12-24. Review status: criteria provided, single submitter. Criteria: Invitae Variant Classification Sherloc (09022015). Collection method: clinical testing. Allele origin: germline.
Comment: This sequence change replaces glycine, which is neutral and non-polar, with arginine, which is basic and polar, at codon 49 of the ALS2 protein (p.Gly49Arg). This variant is present in population databases (no rsID available, gnomAD 0.004%). This missense change has been observed in individual(s) with hereditary spastic paraplegia (PMID: 25302125, 33409823, 37055917). In at least one individual the data is consistent with being in trans (on the opposite chromosome) from a pathogenic variant. An algorithm developed to predict the effect of missense changes on protein structure and function (PolyPhen-2) suggests that this variant is likely to be disruptive. Experimental studies have shown that this missense change affects ALS2 function (PMID: 30224357). For these reasons, this variant has been classified as Pathogenic.

Literature cited by the submitters: PubMed 25302125; PubMed 33409823; PubMed 37055917; PubMed 30224357.

NM_020919.4(ALS2):c.145G>A (p.Gly49Arg)

Gene: ALS2 (alsin Rho guanine nucleotide exchange factor ALS2; minus strand). Cytogenetic location: 2q33.1.
Variant type: single nucleotide variant.
Coding change: c.145G>A on transcript NM_020919.4 (MANE Select); coding-DNA position 145, G replaced by A.
Protein change: p.Gly49Arg; replaces glycine 49 with arginine.
Molecular consequence: missense variant.
Genome position (GRCh38, 1-based): chr2:201,767,259, C>T on the plus strand (G>A on the coding strand, the complement: ALS2 is on the minus strand). VCF-style: chr2-201767259-C-T. GRCh37 (hg19) VCF-style: chr2-202631982-C-T.
Other names: c.145G>A, p.Gly49Arg (NM_001135745.2, NM_001410975.1); short protein forms G49R.
Identifiers: ClinVar variation 3668681 (VCV003668681.2).